The following is an entry in ClinVar:

NM_014249.4(NR2E3):c.1135A>G (p.Arg379Gly)

Gene: NR2E3 (nuclear receptor subfamily 2 group E member 3; plus strand). Cytogenetic location: 15q23.
Variant type: single nucleotide variant.
Coding change: c.1135A>G on transcript NM_014249.4 (MANE Select); coding-DNA position 1135, A replaced by G.
Protein change: p.Arg379Gly; replaces arginine 379 with glycine.
Molecular consequence: missense variant.
Genome position (GRCh38, 1-based): chr15:71,817,586, A>G. VCF-style: chr15-71817586-A-G. GRCh37 (hg19) VCF-style: chr15-72109927-A-G.
Other names: short protein forms R379G.
Identifiers: ClinVar variation 1404236 (VCV001404236.6), dbSNP rs2140294921, ClinGen allele CA393041245.

ClinVar aggregate classification (germline): Uncertain significance (1 of 4 stars; one submission).

Submission:

Labcorp Genetics (formerly Invitae), Labcorp
Classification: Uncertain significance. Last evaluated: 2022-07-12. Review status: criteria provided, single submitter. Criteria: Invitae Variant Classification Sherloc (09022015). Collection method: clinical testing. Allele origin: germline.
Comment: Experimental studies and prediction algorithms are not available or were not evaluated, and the functional significance of this variant is currently unknown. In summary, the available evidence is currently insufficient to determine the role of this variant in disease. Therefore, it has been classified as a Variant of Uncertain Significance. ClinVar contains an entry for this variant (Variation ID: 1404236). This variant has not been reported in the literature in individuals affected with NR2E3-related conditions. This sequence change replaces arginine, which is basic and polar, with glycine, which is neutral and non-polar, at codon 379 of the NR2E3 protein (p.Arg379Gly). This variant is not present in population databases (gnomAD no frequency).